The following is an entry in ClinVar:

ClinVar aggregate classification (germline): Pathogenic (1 of 4 stars; one submission).

Submission:

Labcorp Genetics (formerly Invitae), Labcorp
Classification: Pathogenic. Last evaluated: 2023-01-12. Review status: criteria provided, single submitter. Criteria: Invitae Variant Classification Sherloc (09022015). Collection method: clinical testing. Allele origin: germline.
Comment: This sequence change creates a premature translational stop signal (p.Glu524*) in the TPP1 gene. While this is not anticipated to result in nonsense mediated decay, it is expected to disrupt the last 40 amino acid(s) of the TPP1 protein. This variant is not present in population databases (gnomAD no frequency). This variant has not been reported in the literature in individuals affected with TPP1-related conditions. Algorithms developed to predict the effect of sequence changes on RNA splicing suggest that this variant may disrupt the consensus splice site. This variant disrupts a region of the TPP1 protein in which other variant(s) (p.Trp542*) have been determined to be pathogenic (PMID: 31283065; Invitae). This suggests that this is a clinically significant region of the protein, and that variants that disrupt it are likely to be disease-causing. For these reasons, this variant has been classified as Pathogenic.

Literature cited by the submitters: PubMed 31283065.

NM_000391.4(TPP1):c.1570G>T (p.Glu524Ter)

Gene: TPP1 (tripeptidyl peptidase 1; minus strand). Cytogenetic location: 11p15.4.
Variant type: single nucleotide variant.
Coding change: c.1570G>T on transcript NM_000391.4 (MANE Select); coding-DNA position 1570, G replaced by T.
Protein change: p.Glu524Ter; replaces glutamic acid 524 with a stop codon.
Molecular consequence: nonsense.
Genome position (GRCh38, 1-based): chr11:6,614,668, C>A on the plus strand (G>T on the coding strand, the complement: TPP1 is on the minus strand). VCF-style: chr11-6614668-C-A. GRCh37 (hg19) VCF-style: chr11-6635899-C-A.
Other names: short protein forms E524*.
Identifiers: ClinVar variation 2827922 (VCV002827922.3), dbSNP rs1157546558, ClinGen allele CA379472190.